The following is an entry in ClinVar:

NC_000003.11:g.(?_48488250)_(48508999_?)dup

Genes: ATRIP (ATR interacting protein; plus strand), TREX1 (three prime repair exonuclease 1; plus strand). Cytogenetic location: 3p21.31.
Variant type: Duplication.
Identifiers: ClinVar variation 3247056 (VCV003247056.1).

ClinVar aggregate classification (germline): Uncertain significance (1 of 4 stars; one submission).

Submission:

Labcorp Genetics (formerly Invitae), Labcorp
Classification: Uncertain significance. Last evaluated: 2023-01-25. Review status: criteria provided, single submitter. Criteria: Invitae Variant Classification Sherloc (09022015). Collection method: clinical testing. Allele origin: unknown.
Comment: In summary, the available evidence is currently insufficient to determine the role of this variant in disease. Therefore, it has been classified as a Variant of Uncertain Significance. This variant has not been reported in the literature in individuals affected with ATRIP-related conditions. A copy number gain of the genomic region encompassing the full coding sequence of the ATRIP gene has been identified. The boundaries of this event are unknown as they extend beyond the assayed region for this gene and therefore may encompass additional genes. As the precise location of this event is unknown, it may be in tandem or it may be located elsewhere in the genome.